The following is an entry in ClinVar:

NM_005097.4(LGI1):c.443dup (p.Asn148fs)

Gene: LGI1 (leucine rich glioma inactivated 1; plus strand). Cytogenetic location: 10q23.33.
Variant type: Duplication.
Coding change: c.443dup on transcript NM_005097.4 (MANE Select); coding-DNA position 443, one base duplicated (A; older notation c.443dupA).
Protein change: p.Asn148fs; shifts the reading frame from asparagine 148.
Molecular consequence: frameshift variant. On other transcripts: non-coding transcript variant (1).
Genome position (GRCh38, 1-based): chr10:93,790,110, A duplicated; the last of 3 consecutive A bases (chr10:93,790,108-93,790,110); duplicating any one gives the same sequence. VCF-style (leftmost placement, unchanged base first): chr10-93790107-C-CA. GRCh37 (hg19) VCF-style: chr10-95549864-C-CA.
Other names: c.443dup, p.Asn148fs (NM_001308275.2); c.299dup, p.Asn100fs (NM_001308276.2); short protein forms N100fs, N148fs.
Identifiers: ClinVar variation 1458021 (VCV001458021.6), dbSNP rs2134017940, ClinGen allele CA2573145859.

ClinVar aggregate classification (germline): Pathogenic (1 of 4 stars; one submission).

Conditions:
Autosomal dominant epilepsy with auditory features. Identifiers: Orphanet 101046, MedGen C1838062, MONDO:0010898.

Submission:

Labcorp Genetics (formerly Invitae), Labcorp
Classification: Pathogenic for Autosomal dominant epilepsy with auditory features. Last evaluated: 2022-08-16. Review status: criteria provided, single submitter. Criteria: Invitae Variant Classification Sherloc (09022015). Collection method: clinical testing. Allele origin: germline.
Comment: This sequence change creates a premature translational stop signal (p.Asn148Lysfs*26) in the LGI1 gene. It is expected to result in an absent or disrupted protein product. Loss-of-function variants in LGI1 are known to be pathogenic (PMID: 24206907). For these reasons, this variant has been classified as Pathogenic. ClinVar contains an entry for this variant (Variation ID: 1458021). This variant has not been reported in the literature in individuals affected with LGI1-related conditions. This variant is not present in population databases (gnomAD no frequency).

Literature cited by the submitters: PubMed 24206907.